The following is an entry in ClinVar:

ClinVar aggregate classification (germline): Conflicting classifications of pathogenicity. Review status: criteria provided, conflicting classifications (1 of 4 stars). 6 submissions from 6 submitters: Pathogenic (2); Likely pathogenic (3); Uncertain significance (1). Last evaluated 2026-01-26.

Conditions:
Autosomal recessive limb-girdle muscular dystrophy type 2J (LGMDR10). Also called: Limb-girdle muscular dystrophy, type 2J; MUSCULAR DYSTROPHY, LIMB-GIRDLE, AUTOSOMAL RECESSIVE 10. Identifiers: Orphanet 140922, MedGen C1837342, MONDO:0012127, OMIM 608807.
Dilated cardiomyopathy 1G (CMD1G). Identifiers: Orphanet 154, MedGen C1858763, MONDO:0011400, OMIM 604145.
Left ventricular noncompaction cardiomyopathy. Also called: left ventricular non-compaction cardiomyopathy. Identifiers: MedGen C4021133, HP:0011664.
TTN-related disorder. Also called: TTN-related condition; TTN-related disease; TTN-related disorders.
Cardiovascular phenotype. Identifiers: MedGen CN230736.

gnomAD v4.1: 3 of 1,613,978 alleles (0.00019%); highest among the groups gnomAD compares: Non-Finnish European, 0.00025%; no homozygotes.

Submissions (6):

Labcorp Genetics (formerly Invitae), Labcorp
Classification: Pathogenic for Dilated cardiomyopathy 1G; Autosomal recessive limb-girdle muscular dystrophy type 2J. Last evaluated: 2026-01-26. Review status: criteria provided, single submitter. Criteria: Invitae Variant Classification Sherloc (09022015). Collection method: clinical testing. Allele origin: germline.
Comment: This sequence change creates a premature translational stop signal (p.Arg1572*) in the TTN gene. While this is not anticipated to result in nonsense mediated decay, it is expected to create a truncated TTN protein. This variant is not present in population databases (gnomAD no frequency). This premature translational stop signal has been observed in individuals with dilated cardiomyopathy and/or left ventricular noncompaction cardiomyopathy (PMID: 34540771, 37529955; internal data). ClinVar contains an entry for this variant (Variation ID: 503658). This variant is located in the Z band of TTN (PMID: 25589632). Truncating variants in this region have been reported in individuals affected with autosomal recessive centronuclear myopathy (PMID: 33449170, internal data). Truncating variants in this region have also been identified in individuals affected with autosomal dominant dilated cardiomyopathy and/or cardio-related conditions (PMID: 27869827, 32964742, internal data). For these reasons, this variant has been classified as Pathogenic.

PreventionGenetics, part of Exact Sciences
Classification: Pathogenic for TTN-related condition. Last evaluated: 2026-01-05. Review status: criteria provided, single submitter. Criteria: ACMG Guidelines, 2015. Collection method: clinical testing. Allele origin: germline.
Comment: The TTN c.4714C>T variant is predicted to result in premature protein termination (p.Arg1572*). This variant has been reported in individuals with dilated cardiomyopathy or left ventricular noncompaction cardiomyopathy (Table S1, Schultze-Berndt et al. 2021. PubMed ID: 34540771; Zheng et al. 2023. PubMed ID: 37529955). This variant is absent from a large population database (gnomAD), indicating this variant is rare. This variant is located in the TTN protein Z-disk region. RNAseq studies from heart tissue indicate this exon is commonly included in TTN mRNA transcripts (PSI of 100%, Roberts et al. 2015. PubMed ID: 25589632). TTN loss-of-function variants occurring in constitutively expressed exons (PSI > 90%) are more likely to be disease causing for TTN cardiac-related disorders regardless of band location (Roberts et al. 2015. PubMed ID: 25589632; Schafer et al. 2017. PubMed ID: 27869827; Akhtar et al. 2020. PubMed ID: 32964742). Many cases of recessive TTN-related myopathies in which the individual is compound heterozygous for two loss-of-function variants in TTN have also been reported (Oates et al. 2018. PubMed ID: 29691892; Ge et al. 2019. PubMed ID: 31053406; Rees et al. 2021. PubMed ID: 33449170). In summary, this variant is categorized as pathogenic. Of note, this variant is considered pathogenic for increased risk of TTN-related cardiac disorders, and also for autosomal recessive TTN-related congenital titinopathies.

GeneDx
Classification: Uncertain significance. Last evaluated: 2025-06-18. Review status: criteria provided, single submitter. Criteria: GeneDx Variant Classification Process June 2021. Collection method: clinical testing. Allele origin: germline. Affected: yes.
Comment: Reported previously as an inherited likely pathogenic variant in an individual with left ventricular noncompaction cardiomyopathy; further detailed clinical and family information not provided (PMID: 34540771); Not observed at significant frequency in large population cohorts (gnomAD); Nonsense variant predicted to result in protein truncation or nonsense mediated decay in a gene or region of a gene for which loss of function is not a well-established mechanism of disease; This variant is associated with the following publications: (PMID: 37529955, 34540771)

Institute of Human Genetics, University of Leipzig Medical Center
Classification: Likely pathogenic for Dilated cardiomyopathy 1G. Last evaluated: 2025-05-28. Review status: criteria provided, single submitter. Criteria: ACMG Guidelines, 2015. Collection method: clinical testing. Allele origin: unknown. Inheritance: Autosomal dominant inheritance. Affected: yes.
Comment: Criteria applied: PVS1,PM2_SUP

Ambry Genetics
Classification: Likely pathogenic for Cardiovascular phenotype. Last evaluated: 2025-03-04. Review status: criteria provided, single submitter. Criteria: Ambry Variant Classification Scheme 2023. Collection method: clinical testing. Allele origin: germline.
Comment: The p.R1526* variant (also known as c.4576C>T), located in coding exon 25 of the TTN gene, results from a C to T substitution at nucleotide position 4576. This changes the amino acid from an arginine to a stop codon within coding exon 25. This exon is located in the near Z-disk region of the N2-B isoform of the titin protein and is constitutively expressed in TTN transcripts (percent spliced in or PSI 100%). This variant (referred to as NM_001267550.1:c.4714C>T p.R1572*) has been detected in a left ventricular noncompaction cardiomyopathy cohort (Schultze-Berndt A et al. Front Pediatr, 2021 Sep;9:722926). This variant was reported in individual(s) with features consistent with dilated cardiomyopathy (Ambry internal data). This variant is considered to be rare based on population cohorts in the Genome Aggregation Database (gnomAD). This variant is expected to result in loss of function by premature protein truncation or nonsense-mediated mRNA decay. While truncating variants in TTN are present in 1-3% of the general population, truncating variants in the A-band are the most common cause of dilated cardiomyopathy (Herman DS et al. N. Engl. J. Med., 2012 Feb;366:619-28; Roberts AM et al. Sci Transl Med, 2015 Jan;7:270ra6). TTN truncating variants encoded in constitutive exons (PSI >90%) have been found to be significantly associated with DCM regardless of their position in titin (Schafer S et al. Nat. Genet., 2017 01;49:46-53; Akhtar MM et al. Circ Heart Fail, 2020 Oct;13:e006832; Massier M et al. Clin Genet, 2025 Jan). Based on the majority of available evidence to date, this variant is likely to be pathogenic.

Klaassen Lab, Charite University Medicine Berlin
Classification: Likely pathogenic for Left ventricular noncompaction cardiomyopathy. Review status: criteria provided, single submitter. Criteria: ACMG Guidelines, 2015. Collection method: research. Allele origin: germline. Affected: yes.

Literature cited by the submitters: PubMed 34540771 (cited by 3 submitters); PubMed 37529955 (cited by Labcorp Genetics (formerly Invitae), Labcorp); PubMed 25589632 (cited by Labcorp Genetics (formerly Invitae), Labcorp); PubMed 33449170 (cited by Labcorp Genetics (formerly Invitae), Labcorp); PubMed 27869827 (cited by Labcorp Genetics (formerly Invitae), Labcorp); PubMed 32964742 (cited by Labcorp Genetics (formerly Invitae), Labcorp).

NM_001267550.2(TTN):c.4714C>T (p.Arg1572Ter)

Genes: TTN (titin; minus strand), LOC101927055 (uncharacterized LOC101927055; plus strand). Cytogenetic location: 2q31.2.
Variant type: single nucleotide variant.
Coding change: c.4714C>T on transcript NM_001267550.2 (MANE Select); coding-DNA position 4714, C replaced by T.
Protein change: p.Arg1572Ter; replaces arginine 1572 with a stop codon.
Molecular consequence: nonsense. On other transcripts: non-coding transcript variant (1).
Genome position (GRCh38, 1-based): chr2:178,777,249, G>A on the plus strand (C>T on the coding strand, the complement: TTN is on the minus strand). VCF-style: chr2-178777249-G-A. GRCh37 (hg19) VCF-style: chr2-179641976-G-A.
Other names: c.4714C>T (NM_001267550.1); c.4714C>T, p.Arg1572Ter (NM_001256850.1, NM_133378.4, NM_133379.5); c.4576C>T, p.Arg1526Ter (NM_003319.4, NM_133432.3, NM_133437.4); short protein forms R1572*, R1526*.
Identifiers: ClinVar variation 503658 (VCV000503658.11), dbSNP rs1554008881, ClinGen allele CA349462378.